The following is an entry in ClinVar:

ClinVar aggregate classification (germline): Uncertain significance (1 of 4 stars; one submission).

Conditions:
Hereditary sensory neuropathy-deafness-dementia syndrome. Also called: Hereditary Sensory and Autonomic Neuropathy Type 1E (HSAN1E); Hereditary sensory neuropathy type IE; HSN IE; NEUROPATHY, HEREDITARY SENSORY, WITH HEARING LOSS AND DEMENTIA. Identifiers: Orphanet 456318, MedGen C3279885, MONDO:0013584, OMIM 614116.

Allele frequency attached by ClinVar (database versions not stated): gnomAD exomes below 0.00001; TOPMed below 0.00001.
gnomAD v4.1: 6 of 1,611,712 alleles (0.00037%); highest among the groups gnomAD compares: Non-Finnish European, 0.00051%; no homozygotes.

Submission:

Labcorp Genetics (formerly Invitae), Labcorp
Classification: Uncertain significance for Hereditary sensory neuropathy-deafness-dementia syndrome. Last evaluated: 2022-08-10. Review status: criteria provided, single submitter. Criteria: Invitae Variant Classification Sherloc (09022015). Collection method: clinical testing. Allele origin: germline.
Comment: In summary, the available evidence is currently insufficient to determine the role of this variant in disease. Therefore, it has been classified as a Variant of Uncertain Significance. Algorithms developed to predict the effect of missense changes on protein structure and function are either unavailable or do not agree on the potential impact of this missense change (SIFT: "Deleterious"; PolyPhen-2: "Probably Damaging"; Align-GVGD: "Class C0"). ClinVar contains an entry for this variant (Variation ID: 1385014). This variant has not been reported in the literature in individuals affected with DNMT1-related conditions. This variant is present in population databases (no rsID available, gnomAD 0.0009%). This sequence change replaces proline, which is neutral and non-polar, with leucine, which is neutral and non-polar, at codon 1391 of the DNMT1 protein (p.Pro1391Leu).

NM_001130823.3(DNMT1):c.4172C>T (p.Pro1391Leu)

Gene: DNMT1 (DNA methyltransferase 1; minus strand). Cytogenetic location: 19p13.2.
Variant type: single nucleotide variant.
Coding change: c.4172C>T on transcript NM_001130823.3 (MANE Select); coding-DNA position 4172, C replaced by T.
Protein change: p.Pro1391Leu; replaces proline 1391 with leucine.
Molecular consequence: missense variant.
Genome position (GRCh38, 1-based): chr19:10,137,953, G>A on the plus strand (C>T on the coding strand, the complement: DNMT1 is on the minus strand). VCF-style: chr19-10137953-G-A. GRCh37 (hg19) VCF-style: chr19-10248629-G-A.
Other names: c.4124C>T, p.Pro1375Leu (NM_001318730.2, NM_001379.4); c.3809C>T, p.Pro1270Leu (NM_001318731.2); short protein forms P1270L, P1375L, P1391L.
Identifiers: ClinVar variation 1385014 (VCV001385014.8), dbSNP rs1382078791, ClinGen allele CA403970469.